The following is an entry in ClinVar:

ClinVar aggregate classification (germline): Likely pathogenic (1 of 4 stars; one submission).

Conditions:
Autosomal recessive limb-girdle muscular dystrophy type 2J (LGMDR10). Also called: Limb-girdle muscular dystrophy, type 2J; MUSCULAR DYSTROPHY, LIMB-GIRDLE, AUTOSOMAL RECESSIVE 10. Identifiers: Orphanet 140922, MedGen C1837342, MONDO:0012127, OMIM 608807.
Dilated cardiomyopathy 1G (CMD1G). Identifiers: Orphanet 154, MedGen C1858763, MONDO:0011400, OMIM 604145.

Submission:

Labcorp Genetics (formerly Invitae), Labcorp
Classification: Likely pathogenic for Dilated cardiomyopathy 1G; Autosomal recessive limb-girdle muscular dystrophy type 2J. Last evaluated: 2025-09-01. Review status: criteria provided, single submitter. Criteria: Invitae Variant Classification Sherloc (09022015). Collection method: clinical testing. Allele origin: germline.
Comment: This sequence change creates a premature translational stop signal (p.Lys8517Serfs*36) in the TTN gene. While this is not anticipated to result in nonsense mediated decay, it is expected to create a truncated TTN protein. This variant is not present in population databases (gnomAD no frequency). This variant has not been reported in the literature in individuals affected with TTN-related conditions. This variant is located in the I band of TTN (PMID: 25589632). Truncating variants in this region have been reported in individuals affected with autosomal recessive centronuclear myopathy (PMID: 23975875, internal data). Truncating variants in this region have also been identified in individuals affected with autosomal dominant dilated cardiomyopathy and/or cardio-related conditions (PMID: 27869827, 32964742, internal data). In summary, the currently available evidence indicates that the variant is pathogenic, but additional data are needed to prove that conclusively. Therefore, this variant has been classified as Likely Pathogenic.

Literature cited by the submitters: PubMed 25589632; PubMed 23975875; PubMed 27869827; PubMed 32964742.

NM_001267550.2(TTN):c.25548_25549del (p.Lys8517fs)

Gene: TTN (titin; minus strand). Cytogenetic location: 2q31.2.
Variant type: Deletion.
Coding change: c.25548_25549del on transcript NM_001267550.2 (MANE Select); coding-DNA positions 25548 to 25549, 2 bases deleted (CA; older notation c.25548_25549delCA).
Protein change: p.Lys8517fs; shifts the reading frame from lysine 8517.
Molecular consequence: frameshift variant. On other transcripts: intron variant (3).
Genome position (GRCh38, 1-based): chr2:178,717,185-178,717,186, TG deleted on the plus strand (CA on the coding strand, the reverse complement: TTN is on the minus strand). VCF-style (leftmost placement, unchanged base first): chr2-178717184-TTG-T. GRCh37 (hg19) VCF-style: chr2-179581911-TTG-T.
Other names: c.24597_24598del, p.Lys8200fs (NM_001256850.1); c.21816_21817del, p.Lys7273fs (NM_133378.4); c.13282+20896_13282+20897del (NM_003319.4); c.13858+20896_13858+20897del (NM_133437.4); c.13657+20896_13657+20897del (NM_133432.3); short protein forms K8517fs, K7273fs, K8200fs.
Identifiers: ClinVar variation 4786032 (VCV004786032.1).
Genomic context (GRCh38, chr2:178,717,184, plus strand): 5'-TCTTTTCCAGCGATGTTGCTTGCATAGCAGGTGTACTGCCCGGCATCGCCTTTGCCTACT[TTG>T]AGAACTGTCAGAGTGGCAGTATTTTCTACCAAAGTCATCTTGTAGTTGCCTCCAGGGCGA-3'